The following is an entry in ClinVar:

ClinVar aggregate classification (germline): Pathogenic (1 of 4 stars; one submission).

Conditions:
Familial cancer of breast. Also called: hereditary breast carcinoma; BREAST CANCER, FAMILIAL; Hereditary breast cancer. Identifiers: Orphanet 227535, MedGen C0346153, MONDO:0016419, OMIM 114480. Disease mechanism: loss of function.

Submission:

Labcorp Genetics (formerly Invitae), Labcorp
Classification: Pathogenic for Familial cancer of breast. Last evaluated: 2022-02-02. Review status: criteria provided, single submitter. Criteria: Invitae Variant Classification Sherloc (09022015). Collection method: clinical testing. Allele origin: germline.
Comment: This sequence change creates a premature translational stop signal (p.Leu114*) in the BARD1 gene. It is expected to result in an absent or disrupted protein product. Loss-of-function variants in BARD1 are known to be pathogenic (PMID: 20077502, 21344236). For these reasons, this variant has been classified as Pathogenic. This variant has not been reported in the literature in individuals affected with BARD1-related conditions. This variant is not present in population databases (gnomAD no frequency).

Literature cited by the submitters: PubMed 20077502; PubMed 21344236.

NM_000465.4(BARD1):c.341T>A (p.Leu114Ter)

Gene: BARD1 (BRCA1 associated RING domain 1; minus strand). Cytogenetic location: 2q35.
Variant type: single nucleotide variant.
Coding change: c.341T>A on transcript NM_000465.4 (MANE Select); coding-DNA position 341, T replaced by A.
Protein change: p.Leu114Ter; replaces leucine 114 with a stop codon.
Molecular consequence: nonsense. On other transcripts: non-coding transcript variant (1), intron variant (2).
Genome position (GRCh38, 1-based): chr2:214,792,320, A>T on the plus strand (T>A on the coding strand, the complement: BARD1 is on the minus strand). VCF-style: chr2-214792320-A-T. GRCh37 (hg19) VCF-style: chr2-215657044-A-T.
Other names: c.284T>A, p.Leu95Ter (NM_001282543.2); c.341T>A, p.Leu114Ter (NM_001282549.2); c.158+17092T>A (NM_001282548.2); c.215+4741T>A (NM_001282545.2); short protein forms L114*, L95*.
Identifiers: ClinVar variation 2091952 (VCV002091952.4), dbSNP rs2469560396, ClinGen allele CA350460819.
Genomic context (GRCh38, chr2:214,792,320, plus strand): 5'-GATGAATTTAACTAAGAGAGATAGGGATAGTTCTTACCTGACAGCTCATTGTCATGTAGC[A>T]AATTTCGAAGCTTACTACAAAGTTGAATCATGCTGTCCAGTTGTCTATTTATCTTCAAGT-3'